The following is an entry in ClinVar:

NM_001918.5(DBT):c.1274C>A (p.Ser425Ter)

Gene: DBT (dihydrolipoamide branched chain transacylase E2; minus strand). Cytogenetic location: 1p21.2.
Variant type: single nucleotide variant.
Coding change: c.1274C>A on transcript NM_001918.5 (MANE Select); coding-DNA position 1274, C replaced by A.
Protein change: p.Ser425Ter; replaces serine 425 with a stop codon.
Molecular consequence: nonsense. On other transcripts: non-coding transcript variant (4).
Genome position (GRCh38, 1-based): chr1:100,206,237, G>T on the plus strand (C>A on the coding strand, the complement: DBT is on the minus strand). VCF-style: chr1-100206237-G-T. GRCh37 (hg19) VCF-style: chr1-100671793-G-T.
Other names: c.731C>A, p.Ser244Ter (NM_001399969.1, NM_001399972.1); short protein forms S244*, S425*.
Identifiers: ClinVar variation 2674734 (VCV002674734.2), dbSNP rs2524106032, ClinGen allele CA341329754.
Genomic context (GRCh38, chr1:100,206,237, plus strand): 5'-TTTAGTCCCTGAATTTGCTTAAACTCCATTTTTCAGTTATCTAATACATGTACCTTAATT[G>T]ATCCAAGGGCCCCAATGGCTACTTCAGGTGGCATTATCACTGGTTTGGCAAAGGTACCAC-3'

ClinVar aggregate classification (germline): Pathogenic/Likely pathogenic. Review status: criteria provided, multiple submitters, no conflicts (2 of 4 stars). 2 submissions from 2 submitters: Pathogenic (1); Likely pathogenic (1). Last evaluated 2026-07-28.

Conditions:
Maple syrup urine disease type 2 (MSUD2). Also called: Maple syrup urine disease, type II. Identifiers: MedGen C1855371, MONDO:0023693, OMIM 620699.
Maple syrup urine disease (MSUD). Identifiers: Orphanet 511, MedGen C0024776, MeSH D008375, MONDO:0009563. Disease mechanism: loss of function.

Submissions (2):

Myriad Genetics, Inc.
Classification: Pathogenic for Maple syrup urine disease type 2. Last evaluated: 2026-07-28. Review status: criteria provided, single submitter. Criteria: Myriad Autosomal Dominant, Autosomal Recessive and X-Linked Classification Criteria (2023). Collection method: clinical testing. Allele origin: unknown.
Comment: NM_001918.3(DBT):c.1274C>A(S425*) is a nonsense variant classified as pathogenic in the context of maple syrup urine disease type II. S425* has not been observed in cases with relevant disease. Relevant functional assessments of this variant are not available in the literature. S425* has not been observed in referenced population frequency databases. In summary, NM_001918.3(DBT):c.1274C>A(S425*) is a nonsense variant in a gene where loss of function is a known mechanism of disease and is predicted to disrupt protein function. Please note: this variant was assessed in the context of healthy population screening.

Baylor Genetics
Classification: Likely pathogenic for Maple syrup urine disease type 1A. Last evaluated: 2023-04-09. Review status: criteria provided, single submitter. Criteria: ACMG Guidelines, 2015. Collection method: clinical testing. Allele origin: unknown.